The following is an entry in ClinVar:

ClinVar aggregate classification (germline): Conflicting classifications of pathogenicity. Review status: criteria provided, conflicting classifications (1 of 4 stars). 5 submissions from 5 submitters: Uncertain significance (1); Likely benign (3). 1 of the submissions does not count toward it. Last evaluated 2025-07-21.

Conditions:
Inborn genetic diseases. Identifiers: MedGen C0950123, MeSH D030342.
GPSM2-related disorder. Also called: GPSM2-related condition; GPSM2-related disorders.

Submissions (5):

Labcorp Genetics (formerly Invitae), Labcorp
Classification: Likely benign. Last evaluated: 2025-07-21. Review status: criteria provided, single submitter. Criteria: Invitae Variant Classification Sherloc (09022015). Collection method: clinical testing. Allele origin: germline.

GeneDx
Classification: Uncertain significance. Last evaluated: 2024-12-11. Review status: criteria provided, single submitter. Criteria: GeneDx Variant Classification Process June 2021. Collection method: clinical testing. Allele origin: germline. Affected: yes.
Comment: In-frame deletion of 1 amino acid in a non-repeat region; In silico analysis supports a deleterious effect on protein structure/function; Has not been previously published as pathogenic or benign to our knowledge

Ambry Genetics
Classification: Likely benign for Inborn genetic diseases. Last evaluated: 2022-05-05. Review status: criteria provided, single submitter. Criteria: Ambry Variant Classification Scheme 2023. Collection method: clinical testing. Allele origin: germline.

Laboratory for Molecular Medicine, Mass General Brigham Personalized Medicine
Classification: Likely benign. Last evaluated: 2019-03-15. Review status: criteria provided, single submitter. Criteria: LMM Criteria. Collection method: clinical testing. Allele origin: germline. Observed: 2 variant alleles.
Comment: The p.Glu173del variant in GPSM2 is classified as likely benign because it has been identified in 0.23% (58/24964) of African chromosomes by gnomAD, which is too common to cause Chudley-McCullough syndrome. ACMG/AMP criteria applied: BS1.

PreventionGenetics, part of Exact Sciences
Classification: Likely benign for GPSM2-related condition. Last evaluated: 2022-10-24. Review status: no assertion criteria provided. Collection method: clinical testing. Allele origin: germline. Not counted in ClinVar's aggregate classification.
Comment: This variant is classified as likely benign based on ACMG/AMP sequence variant interpretation guidelines (Richards et al. 2015 PMID: 25741868, with internal and published modifications).

NM_013296.5(GPSM2):c.515AAG[1] (p.Glu173del)

Gene: GPSM2 (G protein signaling modulator 2; plus strand). Cytogenetic location: 1p13.3.
Variant type: Microsatellite.
Coding change: c.515AAG[1] on transcript NM_013296.5 (MANE Select); one copy of the 3-base unit AAG starting at c.515; the reference has two copies in a row; one copy, 3 bases deleted.
Protein change: p.Glu173del; deletes glutamic acid 173.
Molecular consequence: inframe deletion.
Genome position (GRCh38, 1-based): chr1:108,898,062-108,898,064, AAG deleted; deleting any 3 consecutive bases within chr1:108,898,057-108,898,064 gives the same sequence; the position shown is the placement nearest the transcript's 3' end. VCF-style (leftmost placement, unchanged base first): chr1-108898056-CAGA-C. GRCh37 (hg19) VCF-style: chr1-109440678-CAGA-C.
Other names: c.518_520delAAG (NM_013296.4); c.515AAG[1], p.Glu173del (NM_001321038.2, NM_001321039.3); short protein forms E173del.
Identifiers: ClinVar variation 424343 (VCV000424343.21), dbSNP rs145997327, ClinGen allele CA982814.